The following is an entry in ClinVar:

NM_000094.4(COL7A1):c.2544C>T (p.Val848=)

Gene: COL7A1 (collagen type VII alpha 1 chain; minus strand). Cytogenetic location: 3p21.31.
Variant type: single nucleotide variant.
Coding change: c.2544C>T on transcript NM_000094.4 (MANE Select); coding-DNA position 2544, C replaced by T.
Protein change: p.Val848=; no amino-acid change (valine 848 retained).
Molecular consequence: synonymous variant.
Genome position (GRCh38, 1-based): chr3:48,588,685, G>A on the plus strand (C>T on the coding strand, the complement: COL7A1 is on the minus strand). VCF-style: chr3-48588685-G-A. GRCh37 (hg19) VCF-style: chr3-48626118-G-A.
Identifiers: ClinVar variation 725310 (VCV000725310.16), dbSNP rs139545952, ClinGen allele CA2380860.

ClinVar aggregate classification (germline): Conflicting classifications of pathogenicity. Review status: criteria provided, conflicting classifications (1 of 4 stars). 5 submissions from 5 submitters: Uncertain significance (1); Likely benign (3). 1 of the submissions does not count toward it. Last evaluated 2026-01-28.

Conditions:
Epidermolysis bullosa dystrophica. Also called: Dystrophic epidermolysis bullosa; Dystrophic epidermolysis bullosa, Hallopeau-Siemens type (formerly). Identifiers: Orphanet 303, MedGen C0079294, MONDO:0006543.
Epidermolysis bullosa dystrophica inversa, autosomal recessive. Identifiers: MedGen C2673612.
COL7A1-related disorder. Also called: COL7A1-related condition; COL7A1- related disorders.

Allele frequency attached by ClinVar (database versions not stated): ExAC 0.00034; gnomAD exomes 0.00035; gnomAD 0.00037 and 0.00041; ESP Exome Variant Server 0.00038; 1000 Genomes Project 0.00040; TOPMed 0.00045; 1000 Genomes Project 30x 0.00047.
gnomAD v4.1: 495 of 1,613,862 alleles (0.031%); highest among the groups gnomAD compares: Admixed American, 0.14%; 1 homozygote.

Submissions (5):

Labcorp Genetics (formerly Invitae), Labcorp
Classification: Likely benign. Last evaluated: 2026-01-28. Review status: criteria provided, single submitter. Criteria: Invitae Variant Classification Sherloc (09022015). Collection method: clinical testing. Allele origin: germline.

PreventionGenetics, part of Exact Sciences
Classification: Likely benign for COL7A1-related condition. Last evaluated: 2025-02-22. Review status: criteria provided, single submitter. Criteria: ACMG Guidelines, 2015. Collection method: clinical testing. Allele origin: germline.
Comment: This variant is classified as likely benign based on ACMG/AMP sequence variant interpretation guidelines (Richards et al. 2015 PMID: 25741868, with internal and published modifications).

Blueprint Genetics
Classification: Likely benign. Last evaluated: 2024-04-30. Review status: criteria provided, single submitter. Criteria: ACMG Guidelines, 2015. Collection method: clinical testing. Allele origin: germline.

Illumina Laboratory Services, Illumina
Classification: Uncertain significance for Dystrophic epidermolysis bullosa. Last evaluated: 2018-01-13. Review status: criteria provided, single submitter. Criteria: ICSL Variant Classification Criteria 13 December 2019. Collection method: clinical testing. Allele origin: germline.

Natera, Inc.
Classification: Likely benign for Autosomal recessive epidermolysis bullosa dystrophica inversa. Last evaluated: 2020-09-16. Review status: no assertion criteria provided. Collection method: clinical testing. Allele origin: germline. Not counted in ClinVar's aggregate classification.